The following is an entry in ClinVar:

ClinVar aggregate classification (germline): Uncertain significance (1 of 4 stars; one submission).

Allele frequency attached by ClinVar (database versions not stated): gnomAD exomes below 0.00001.
gnomAD v4.1: 2 of 1,614,124 alleles (0.00012%); highest among the groups gnomAD compares: Non-Finnish European, 0.00017%; no homozygotes.

Submission:

GeneDx
Classification: Uncertain significance. Last evaluated: 2019-08-05. Review status: criteria provided, single submitter. Criteria: GeneDx Variant Classification Process June 2021. Collection method: clinical testing. Allele origin: germline. Affected: yes.
Comment: Not observed in large population cohorts (Lek et al., 2016); In silico analysis, which includes protein predictors and evolutionary conservation, supports that this variant does not alter protein structure/function; Has not been previously published as pathogenic or benign to our knowledge

NM_001271.4(CHD2):c.5039A>G (p.His1680Arg)

Gene: CHD2 (chromodomain helicase DNA binding protein 2; plus strand). Cytogenetic location: 15q26.1.
Variant type: single nucleotide variant.
Coding change: c.5039A>G on transcript NM_001271.4 (MANE Select); coding-DNA position 5039, A replaced by G.
Protein change: p.His1680Arg; replaces histidine 1680 with arginine.
Molecular consequence: missense variant.
Genome position (GRCh38, 1-based): chr15:93,020,144, A>G. VCF-style: chr15-93020144-A-G. GRCh37 (hg19) VCF-style: chr15-93563374-A-G.
Other names: short protein forms H1680R.
Identifiers: ClinVar variation 1307548 (VCV001307548.2), dbSNP rs2141895288, ClinGen allele CA393907767.